The following is an entry in ClinVar:

NM_020442.6(VARS2):c.987T>G (p.Asp329Glu)

Gene: VARS2 (valyl-tRNA synthetase 2, mitochondrial; plus strand). Cytogenetic location: 6p21.33.
Variant type: single nucleotide variant.
Coding change: c.987T>G on transcript NM_020442.6 (MANE Select); coding-DNA position 987, T replaced by G.
Protein change: p.Asp329Glu; replaces aspartic acid 329 with glutamic acid.
Molecular consequence: missense variant.
Genome position (GRCh38, 1-based): chr6:30,918,828, T>G. VCF-style: chr6-30918828-T-G. GRCh37 (hg19) VCF-style: chr6-30886605-T-G.
Other names: c.567T>G, p.Asp189Glu (NM_001167733.3); c.1077T>G, p.Asp359Glu (NM_001167734.2); short protein forms D189E, D329E, D359E.
Identifiers: ClinVar variation 5007012 (VCV005007012.2).

ClinVar aggregate classification (germline): Uncertain significance (1 of 4 stars; one submission).

Conditions:
Combined oxidative phosphorylation defect type 20. Also called: Combined oxidative phosphorylation deficiency 20. Identifiers: Orphanet 420728, MedGen C4014660, MONDO:0014397, OMIM 615917.

Submission:

Juno Genomics, Hangzhou Juno Genomics, Inc
Classification: Uncertain significance for Combined oxidative phosphorylation defect type 20. Review status: criteria provided, single submitter. Criteria: ACMG Guidelines, 2015. Collection method: clinical testing. Allele origin: germline.
Comment: Absent from controls (or at extremely low frequency if recessive) in Genome Aggregation Database.;Multiple lines of computational evidence support a deleterious effect on the gene or gene product.